The following is an entry in ClinVar:

ClinVar aggregate classification (germline): Likely pathogenic. Review status: criteria provided, single submitter (1 of 4 stars). 2 submissions from 2 submitters: Likely pathogenic (1). 1 of the submissions does not count toward it. Last evaluated 2021-03-02.

Conditions:
X-linked agammaglobulinemia (XLA). Also called: Agammaglobulinemia, Bruton tyrosine kinase; Agammaglobulinemia, BTK; BTK-deficiency; IMMUNODEFICIENCY 1; Bruton's agammaglobulinemia; AGAMMAGLOBULINEMIA, X-LINKED, TYPE 1. Identifiers: Orphanet 229717, Orphanet 47, MedGen C0221026, MONDO:0010421, OMIM 300755.

Submissions (2):

Laboratorio de Genetica e Diagnostico Molecular, Hospital Israelita Albert Einstein
Classification: Likely pathogenic for X-linked agammaglobulinemia. Last evaluated: 2021-03-02. Review status: criteria provided, single submitter. Criteria: ACMG Guidelines, 2015. Collection method: clinical testing. Allele origin: germline. Affected: yes.
Comment: ACMG classification criteria: PS4 supporting, PM2, PP1, PP2, PP3

OMIM
Classification: Pathogenic for AGAMMAGLOBULINEMIA, X-LINKED. Last evaluated: 1994-10-01. Review status: no assertion criteria provided. Collection method: literature only. Allele origin: germline. Not counted in ClinVar's aggregate classification.

Literature cited by the submitters: PubMed 7849721 (cited by OMIM).

NM_000061.3(BTK):c.1838G>A (p.Gly613Asp)

Gene: BTK (Bruton tyrosine kinase; minus strand). Cytogenetic location: Xq22.1.
Variant type: single nucleotide variant.
Coding change: c.1838G>A on transcript NM_000061.3 (MANE Select); coding-DNA position 1838, G replaced by A.
Protein change: p.Gly613Asp; replaces glycine 613 with aspartic acid.
Molecular consequence: missense variant.
Genome position (GRCh38, 1-based): chrX:101,353,264, C>T on the plus strand (G>A on the coding strand, the complement: BTK is on the minus strand). VCF-style: chrX-101353264-C-T. GRCh37 (hg19) VCF-style: chrX-100608252-C-T.
Other names: c.1940G>A, p.Gly647Asp (NM_001287344.2); c.1310G>A, p.Gly437Asp (NM_001287345.2); short protein forms G613D, G437D, G647D.
Identifiers: ClinVar variation 11388 (VCV000011388.3), dbSNP rs128621209, ClinGen allele CA255844.
Genomic context (GRCh38, chrX:101,353,264, plus strand): 5'-CAACTGTACATGATGGTATATACCTTCTCTGAAGCCAGATGAGGCCTGTAGAGACGTAGG[C>T]CTTGGGCAATGTGTTCAGCAGTCTCACTGTTAGTAAATCTCTCATATGGCATCTTCCCCA-3'
Protein context (NP_000052.1, residues 603-623): NSETAEHIAQ[Gly613Asp]LRLYRPHLAS